The following is an entry in ClinVar:

NM_000400.4(ERCC2):c.791A>G (p.Glu264Gly)

Gene: ERCC2 (ERCC excision repair 2, TFIIH core complex helicase subunit; minus strand). Cytogenetic location: 19q13.32.
Variant type: single nucleotide variant.
Coding change: c.791A>G on transcript NM_000400.4 (MANE Select); coding-DNA position 791, A replaced by G.
Protein change: p.Glu264Gly; replaces glutamic acid 264 with glycine.
Molecular consequence: missense variant.
Genome position (GRCh38, 1-based): chr19:45,364,259, T>C on the plus strand (A>G on the coding strand, the complement: ERCC2 is on the minus strand). VCF-style: chr19-45364259-T-C. GRCh37 (hg19) VCF-style: chr19-45867517-T-C.
Other names: c.719A>G, p.Glu240Gly (NM_001130867.2); short protein forms E264G, E240G.
Identifiers: ClinVar variation 2566703 (VCV002566703.2), dbSNP rs2514030988, ClinGen allele CA406374068.

ClinVar aggregate classification (germline): Uncertain significance (1 of 4 stars; one submission).

Conditions:
Inborn genetic diseases. Identifiers: MedGen C0950123, MeSH D030342.

Submission:

Ambry Genetics
Classification: Uncertain significance for Inborn genetic diseases. Last evaluated: 2023-05-25. Review status: criteria provided, single submitter. Criteria: Ambry Variant Classification Scheme 2023. Collection method: clinical testing. Allele origin: germline.
Comment: The p.E264G variant (also known as c.791A>G), located in coding exon 9 of the ERCC2 gene, results from an A to G substitution at nucleotide position 791. The glutamic acid at codon 264 is replaced by glycine, an amino acid with similar properties. This amino acid position is conserved. In addition, the in silico prediction for this alteration is inconclusive. Since supporting evidence is limited at this time, the clinical significance of this alteration remains unclear.